The following is an entry in ClinVar:

NM_004304.5(ALK):c.1561C>T (p.Leu521Phe)

Gene: ALK (ALK receptor tyrosine kinase; minus strand). Cytogenetic location: 2p23.2.
Variant type: single nucleotide variant.
Coding change: c.1561C>T on transcript NM_004304.5 (MANE Select); coding-DNA position 1561, C replaced by T.
Protein change: p.Leu521Phe; replaces leucine 521 with phenylalanine.
Molecular consequence: missense variant.
Genome position (GRCh38, 1-based): chr2:29,318,390, G>A on the plus strand (C>T on the coding strand, the complement: ALK is on the minus strand). VCF-style: chr2-29318390-G-A. GRCh37 (hg19) VCF-style: chr2-29541256-G-A.
Other names: short protein forms L521F.
Identifiers: ClinVar variation 942309 (VCV000942309.10), dbSNP rs772274018, ClinGen allele CA1594608.

ClinVar aggregate classification (germline): Conflicting classifications of pathogenicity. Review status: criteria provided, conflicting classifications (1 of 4 stars). 2 submissions from 2 submitters: Uncertain significance (1); Likely benign (1). Last evaluated 2025-10-10.

Conditions:
Hereditary cancer-predisposing syndrome. Also called: Neoplastic Syndromes, Hereditary; Hereditary neoplastic syndrome; Hereditary Cancer Syndrome; Tumor predisposition. Identifiers: Orphanet 140162, MedGen C0027672, MeSH D009386, MONDO:0015356.
Neuroblastoma, susceptibility to, 3. Also called: ALK-Related Neuroblastic Tumor Susceptibility. Identifiers: Orphanet 635, MedGen C2751681, MONDO:0013083, OMIM 613014.

Allele frequency attached by ClinVar (database versions not stated): gnomAD exomes below 0.00001; ExAC 0.00001.

Submissions (2):

Ambry Genetics
Classification: Likely benign for Hereditary cancer-predisposing syndrome. Last evaluated: 2025-10-10. Review status: criteria provided, single submitter. Criteria: Ambry Variant Classification Scheme 2023. Collection method: clinical testing. Allele origin: germline.

Labcorp Genetics (formerly Invitae), Labcorp
Classification: Uncertain significance for Neuroblastoma, susceptibility to, 3. Last evaluated: 2024-10-28. Review status: criteria provided, single submitter. Criteria: Invitae Variant Classification Sherloc (09022015). Collection method: clinical testing. Allele origin: germline.
Comment: This sequence change replaces leucine, which is neutral and non-polar, with phenylalanine, which is neutral and non-polar, at codon 521 of the ALK protein (p.Leu521Phe). This variant is present in population databases (rs772274018, gnomAD 0.007%). This variant has not been reported in the literature in individuals affected with ALK-related conditions. ClinVar contains an entry for this variant (Variation ID: 942309). An algorithm developed to predict the effect of missense changes on protein structure and function outputs the following: PolyPhen-2: "Benign". The phenylalanine amino acid residue is found in multiple mammalian species, which suggests that this missense change does not adversely affect protein function. In summary, the available evidence is currently insufficient to determine the role of this variant in disease. Therefore, it has been classified as a Variant of Uncertain Significance.